The following is an entry in ClinVar:

NM_000246.4(CIITA):c.1056G>C (p.Glu352Asp)

Gene: CIITA (class II major histocompatibility complex transactivator; plus strand). Cytogenetic location: 16p13.13.
Variant type: single nucleotide variant.
Coding change: c.1056G>C on transcript NM_000246.4 (MANE Select); coding-DNA position 1056, G replaced by C.
Protein change: p.Glu352Asp; replaces glutamic acid 352 with aspartic acid.
Molecular consequence: missense variant. On other transcripts: intron variant (1).
Genome position (GRCh38, 1-based): chr16:10,906,548, G>C. VCF-style: chr16-10906548-G-C. GRCh37 (hg19) VCF-style: chr16-11000405-G-C.
Other names: c.1059G>C, p.Glu353Asp (NM_001286402.1, NM_001379332.1); c.912G>C, p.Glu304Asp (NM_001379330.1); c.909G>C, p.Glu303Asp (NM_001379331.1); c.1056G>C, p.Glu352Asp (NM_001379333.1); c.987G>C, p.Glu329Asp (NM_001379334.1); c.859+1736G>C (NM_001286403.2); short protein forms E329D, E352D, E353D, E303D, E304D.
Identifiers: ClinVar variation 4716508 (VCV004716508.1).

ClinVar aggregate classification (germline): Uncertain significance (1 of 4 stars; one submission).

Conditions:
MHC class II deficiency. Also called: BLS, TYPE II; Bare lymphocyte syndrome 2. Identifiers: Orphanet 572, MedGen C5447452, MONDO:0008855.

Submission:

Labcorp Genetics (formerly Invitae), Labcorp
Classification: Uncertain significance for MHC class II deficiency. Last evaluated: 2025-04-21. Review status: criteria provided, single submitter. Criteria: Invitae Variant Classification Sherloc (09022015). Collection method: clinical testing. Allele origin: germline.
Comment: This sequence change replaces glutamic acid, which is acidic and polar, with aspartic acid, which is acidic and polar, at codon 352 of the CIITA protein (p.Glu352Asp). This variant is not present in population databases (gnomAD no frequency). This variant has not been reported in the literature in individuals affected with CIITA-related conditions. An algorithm developed to predict the effect of missense changes on protein structure and function (PolyPhen-2) suggests that this variant is likely to be tolerated. In summary, the available evidence is currently insufficient to determine the role of this variant in disease. Therefore, it has been classified as a Variant of Uncertain Significance.